The following is an entry in ClinVar:

ClinVar aggregate classification (germline): Uncertain significance (1 of 4 stars; one submission).

Submission:

Labcorp Genetics (formerly Invitae), Labcorp
Classification: Uncertain significance. Last evaluated: 2022-04-15. Review status: criteria provided, single submitter. Criteria: Invitae Variant Classification Sherloc (09022015). Collection method: clinical testing. Allele origin: germline.
Comment: This sequence change falls in intron 26 of the POLE gene. It does not directly change the encoded amino acid sequence of the POLE protein. This variant is not present in population databases (gnomAD no frequency). This variant has not been reported in the literature in individuals affected with POLE-related conditions. Algorithms developed to predict the effect of sequence changes on RNA splicing suggest that this variant may create or strengthen a splice site. In summary, the available evidence is currently insufficient to determine the role of this variant in disease. Therefore, it has been classified as a Variant of Uncertain Significance.

NM_006231.4(POLE):c.3275+14_3275+91del

Gene: POLE (DNA polymerase epsilon, catalytic subunit; minus strand). Cytogenetic location: 12q24.33.
Variant type: Deletion.
Coding change: c.3275+14_3275+91del on transcript NM_006231.4 (MANE Select); bases 14 to 91 of the intron after coding-DNA position 3275, 78 bases deleted.
Molecular consequence: splice donor variant.
Genome position (GRCh38, 1-based): chr12:132,659,204-132,659,281, 78 bases deleted. GRCh37 (hg19): chr12:133,235,814-133,235,891.
Identifiers: ClinVar variation 2126577 (VCV002126577.4), dbSNP rs2542020796, ClinGen allele CA2580086042.